The following is an entry in ClinVar:

ClinVar aggregate classification (germline): Uncertain significance. Review status: criteria provided, multiple submitters, no conflicts (2 of 4 stars). 4 submissions from 3 submitters: Uncertain significance (4). Last evaluated 2023-02-17.

Conditions:
Fibromatosis, gingival, 1 (GINGF1). Identifiers: Orphanet 2024, MedGen C4551558, MONDO:0007609, OMIM 135300.
Noonan syndrome 4 (NS4). Also called: NOONAN SYNDROME WITH PIGMENTED VILLONODULAR SYNOVITIS; SOS1-Related Noonan Syndrome. Identifiers: Orphanet 648, MedGen C1853120, MONDO:0012547, OMIM 610733.
RASopathy. Also called: rasopathies; Noonan spectrum disorder. Identifiers: Orphanet 536391, MedGen C5555857, MONDO:0021060.
Cardiovascular phenotype. Identifiers: MedGen CN230736.

Submissions (4):

Labcorp Genetics (formerly Invitae), Labcorp
Classification: Uncertain significance for RASopathy. Last evaluated: 2023-02-17. Review status: criteria provided, single submitter. Criteria: Invitae Variant Classification Sherloc (09022015). Collection method: clinical testing. Allele origin: germline.
Comment: This sequence change replaces proline, which is neutral and non-polar, with serine, which is neutral and polar, at codon 1250 of the SOS1 protein (p.Pro1250Ser). This variant is not present in population databases (gnomAD no frequency). This variant has not been reported in the literature in individuals affected with SOS1-related conditions. ClinVar contains an entry for this variant (Variation ID: 1413657). Advanced modeling of protein sequence and biophysical properties (such as structural, functional, and spatial information, amino acid conservation, physicochemical variation, residue mobility, and thermodynamic stability) performed at Invitae indicates that this missense variant is not expected to disrupt SOS1 protein function. In summary, the available evidence is currently insufficient to determine the role of this variant in disease. Therefore, it has been classified as a Variant of Uncertain Significance.

Ambry Genetics
Classification: Uncertain significance for Cardiovascular phenotype. Last evaluated: 2020-09-18. Review status: criteria provided, single submitter. Criteria: Ambry Variant Classification Scheme 2023. Collection method: clinical testing. Allele origin: germline.
Comment: The p.P1250S variant (also known as c.3748C>T), located in coding exon 23 of the SOS1 gene, results from a C to T substitution at nucleotide position 3748. This alteration was identified in a non-cancer control cohort; however, details were limited (Pritchard AL et al. PLoS ONE, 2018 Apr;13:e0194098). The proline at codon 1250 is replaced by serine, an amino acid with similar properties. This amino acid position is highly conserved in available vertebrate species. In addition, the in silico prediction for this alteration is inconclusive. Since supporting evidence is limited at this time, the clinical significance of this alteration remains unclear.

Genome-Nilou Lab
Classification: Uncertain significance for Noonan syndrome 4. Review status: criteria provided, single submitter. Criteria: ACMG Guidelines, 2015. Collection method: clinical testing. Allele origin: germline.

Genome-Nilou Lab
Classification: Uncertain significance for Fibromatosis, gingival, 1. Review status: criteria provided, single submitter. Criteria: ACMG Guidelines, 2015. Collection method: clinical testing. Allele origin: germline.

Literature cited by the submitters: PubMed 29641532 (cited by Ambry Genetics).

NM_005633.4(SOS1):c.3748C>T (p.Pro1250Ser)

Gene: SOS1 (SOS Ras/Rac guanine nucleotide exchange factor 1; minus strand). Cytogenetic location: 2p22.1.
Variant type: single nucleotide variant.
Coding change: c.3748C>T on transcript NM_005633.4 (MANE Select); coding-DNA position 3748, C replaced by T.
Protein change: p.Pro1250Ser; replaces proline 1250 with serine.
Molecular consequence: missense variant.
Genome position (GRCh38, 1-based): chr2:38,986,078, G>A on the plus strand (C>T on the coding strand, the complement: SOS1 is on the minus strand). VCF-style: chr2-38986078-G-A. GRCh37 (hg19) VCF-style: chr2-39213219-G-A.
Other names: c.3727C>T, p.Pro1243Ser (NM_001382394.1); c.3703C>T, p.Pro1235Ser (NM_001382395.1); short protein forms P1250S, P1235S, P1243S.
Identifiers: ClinVar variation 1413657 (VCV001413657.11), dbSNP rs1668548624, ClinGen allele CA346362395.